The following is an entry in ClinVar:

ClinVar aggregate classification (germline): Uncertain significance (1 of 4 stars; one submission).

Conditions:
Combined oxidative phosphorylation defect type 17. Also called: Combined oxidative phosphorylation deficiency 17. Identifiers: Orphanet 369913, MedGen C3809526, MONDO:0014190, OMIM 615440.

Submission:

Labcorp Genetics (formerly Invitae), Labcorp
Classification: Uncertain significance for Combined oxidative phosphorylation defect type 17. Last evaluated: 2021-06-21. Review status: criteria provided, single submitter. Criteria: Invitae Variant Classification Sherloc (09022015). Collection method: clinical testing. Allele origin: germline.
Comment: Nucleotide substitutions within the consensus splice site are a relatively common cause of aberrant splicing (PMID: 17576681, 9536098). Algorithms developed to predict the effect of sequence changes on RNA splicing suggest that this variant may disrupt the consensus splice site, but this prediction has not been confirmed by published transcriptional studies. This sequence change falls in intron 18 of the ELAC2 gene. It does not directly change the encoded amino acid sequence of the ELAC2 protein. It affects a nucleotide within the consensus splice site of the intron. This variant is not present in population databases (ExAC no frequency). This variant has not been reported in the literature in individuals with ELAC2-related conditions. In summary, the available evidence is currently insufficient to determine the role of this variant in disease. Therefore, it has been classified as a Variant of Uncertain Significance.

Literature cited by the submitters: PubMed 17576681; PubMed 9536098.

NM_018127.7(ELAC2):c.1698+5G>A

Gene: ELAC2 (elaC ribonuclease Z 2; minus strand). Cytogenetic location: 17p12.
Variant type: single nucleotide variant.
Coding change: c.1698+5G>A on transcript NM_018127.7 (MANE Select); 5 bases into the intron after coding-DNA position 1698, G replaced by A.
Molecular consequence: intron variant.
Genome position (GRCh38, 1-based): chr17:12,995,935, C>T on the plus strand (G>A on the coding strand, the complement: ELAC2 is on the minus strand). VCF-style: chr17-12995935-C-T. GRCh37 (hg19) VCF-style: chr17-12899252-C-T.
Other names: c.1578+5G>A (NM_001165962.2); c.1695+5G>A (NM_173717.2).
Identifiers: ClinVar variation 1500534 (VCV001500534.6), dbSNP rs910420350, ClinGen allele CA2573153048.
Genomic context (GRCh38, chr17:12,995,935, plus strand): 5'-AAGAGGCATGGCGGATGATGTGTAAACCGCTGAAACTCAGAACGCCCATCAAGTGCCACA[C>T]TTACCAAGGCGCGTTCTCTCTGCAGCAAGATACTTGGCAAGCCCTGGCAAGGAAACAGGA-3'